The following is an entry in ClinVar:

ClinVar aggregate classification (germline): Conflicting classifications of pathogenicity. Review status: criteria provided, conflicting classifications (1 of 4 stars). 5 submissions from 5 submitters: Uncertain significance (1); Benign (1); Likely benign (3). Last evaluated 2026-06-17.

Conditions:
Inborn genetic diseases. Identifiers: MedGen C0950123, MeSH D030342.
Congenital stationary night blindness 1E. Also called: Night blindness, congenital stationary (complete), 1E, autosomal recessive. Identifiers: Orphanet 215, MedGen C3281215, MONDO:0013807, OMIM 614565.
GPR179-related disorder. Also called: GPR179-related condition.

Allele frequency attached by ClinVar (database versions not stated): gnomAD 0.00014 and 0.00015; 1000 Genomes Project 30x 0.00016; 1000 Genomes Project 0.00020; TOPMed 0.00020.
gnomAD v4.1: 142 of 1,614,156 alleles (0.0088%); highest among the groups gnomAD compares: Admixed American, 0.19%; 1 homozygote.

Submissions (5):

PreventionGenetics, part of Exact Sciences
Classification: Likely benign for GPR179-related condition. Last evaluated: 2026-06-17. Review status: criteria provided, single submitter. Criteria: ACMG Guidelines, 2015. Collection method: clinical testing. Allele origin: germline.
Comment: This variant is classified as likely benign based on ACMG/AMP sequence variant interpretation guidelines (Richards et al. 2015 PMID: 25741868, with internal and published modifications).

Labcorp Genetics (formerly Invitae), Labcorp
Classification: Benign. Last evaluated: 2026-01-26. Review status: criteria provided, single submitter. Criteria: Invitae Variant Classification Sherloc (09022015). Collection method: clinical testing. Allele origin: germline.

Ambry Genetics
Classification: Likely benign for Inborn genetic diseases. Last evaluated: 2024-05-29. Review status: criteria provided, single submitter. Criteria: Ambry Variant Classification Scheme 2023. Collection method: clinical testing. Allele origin: germline.

Blueprint Genetics
Classification: Likely benign. Last evaluated: 2024-04-23. Review status: criteria provided, single submitter. Criteria: ACMG Guidelines, 2015. Collection method: clinical testing. Allele origin: germline.

Illumina Laboratory Services, Illumina
Classification: Uncertain significance for Congenital stationary night blindness 1E. Last evaluated: 2018-01-12. Review status: criteria provided, single submitter. Criteria: ICSL Variant Classification Criteria 13 December 2019. Collection method: clinical testing. Allele origin: germline.

NM_001004334.4(GPR179):c.6335C>T (p.Ala2112Val)

Gene: GPR179 (G protein-coupled receptor 179; minus strand). Cytogenetic location: 17q12.
Variant type: single nucleotide variant.
Coding change: c.6335C>T on transcript NM_001004334.4 (MANE Select); coding-DNA position 6335, C replaced by T.
Protein change: p.Ala2112Val; replaces alanine 2112 with valine.
Molecular consequence: missense variant.
Genome position (GRCh38, 1-based): chr17:38,327,234, G>A on the plus strand (C>T on the coding strand, the complement: GPR179 is on the minus strand). VCF-style: chr17-38327234-G-A. GRCh37 (hg19) VCF-style: chr17-36483117-G-A.
Other names: c.6335C>T (NM_001004334.3); short protein forms A2112V.
Identifiers: ClinVar variation 322971 (VCV000322971.16), dbSNP rs542057732, ClinGen allele CA10639545.